The following is an entry in ClinVar:

NM_003982.4(SLC7A7):c.110dup (p.Ser38fs)

Genes: SLC7A7 (solute carrier family 7 member 7; minus strand), LOC130055323 (ATAC-STARR-seq lymphoblastoid silent region 5589; plus strand). Cytogenetic location: 14q11.2.
Variant type: Duplication.
Coding change: c.110dup on transcript NM_003982.4 (MANE Select); coding-DNA position 110, one base duplicated (T; older notation c.110dupT).
Protein change: p.Ser38fs; shifts the reading frame from serine 38.
Molecular consequence: frameshift variant.
Genome position (GRCh38, 1-based): chr14:22,813,289, A duplicated on the plus strand (T on the coding strand, the reverse complement: SLC7A7 is on the minus strand). VCF-style (leftmost placement, unchanged base first): chr14-22813288-G-GA. GRCh37 (hg19) VCF-style: chr14-23282497-G-GA.
Other names: c.110dup, p.Ser38fs (NM_001126105.3, NM_001126106.4); short protein forms S38fs.
Identifiers: ClinVar variation 1924991 (VCV001924991.6), dbSNP rs2501977529, ClinGen allele CA2580087991.
Genomic context (GRCh38, chr14:22,813,288, plus strand): 5'-AACAAAGATGCCCGAGCCGATCATGTTCCCCACAATCAGGCACACGCCGTTAAGCAGTGA[G>GA]ATCTCCTTCTTCAGCTTCACCTGCTCCGGCCCTGGGCTGGCCCCATCACCCAAAGGGGAG-3'

ClinVar aggregate classification (germline): Pathogenic. Review status: criteria provided, multiple submitters, no conflicts (2 of 4 stars). 2 submissions from 2 submitters: Pathogenic (2). Last evaluated 2023-06-03.

Conditions:
Lysinuric protein intolerance (LPI). Identifiers: Orphanet 470, MedGen C0268647, MONDO:0009109, OMIM 222700.

Submissions (2):

Labcorp Genetics (formerly Invitae), Labcorp
Classification: Pathogenic for Lysinuric protein intolerance. Last evaluated: 2023-06-03. Review status: criteria provided, single submitter. Criteria: Invitae Variant Classification Sherloc (09022015). Collection method: clinical testing. Allele origin: germline.
Comment: For these reasons, this variant has been classified as Pathogenic. ClinVar contains an entry for this variant (Variation ID: 1924991). This variant has not been reported in the literature in individuals affected with SLC7A7-related conditions. This variant is not present in population databases (gnomAD no frequency). This sequence change creates a premature translational stop signal (p.Ser38Leufs*4) in the SLC7A7 gene. It is expected to result in an absent or disrupted protein product. Loss-of-function variants in SLC7A7 are known to be pathogenic (PMID: 10631139, 17764084).

Kariminejad - Najmabadi Pathology & Genetics Center
Classification: Pathogenic for Lysinuric protein intolerance. Review status: criteria provided, single submitter. Criteria: ACMG Guidelines, 2015. Collection method: clinical testing. Allele origin: germline. Affected: no.

Literature cited by the submitters: PubMed 10631139 (cited by Labcorp Genetics (formerly Invitae), Labcorp); PubMed 17764084 (cited by Labcorp Genetics (formerly Invitae), Labcorp).